The following is an entry in ClinVar:

ClinVar aggregate classification (germline): Likely pathogenic (1 of 4 stars; one submission).

Submission:

GeneDx
Classification: Likely pathogenic. Last evaluated: 2025-02-12. Review status: criteria provided, single submitter. Criteria: GeneDx Variant Classification Process June 2021. Collection method: clinical testing. Allele origin: germline. Affected: yes.
Comment: Frameshift variant predicted to result in protein truncation or nonsense mediated decay in a gene for which loss of function is a known mechanism of disease; Not observed at significant frequency in large population cohorts (gnomAD); Has not been previously published as pathogenic or benign to our knowledge

NM_001148.6(ANK2):c.4585del (p.Ala1529fs)

Gene: ANK2 (ankyrin 2; plus strand). Cytogenetic location: 4q26.
Variant type: Deletion.
Coding change: c.4585del on transcript NM_001148.6 (MANE Select); coding-DNA position 4585, one base deleted (G; older notation c.4585delG).
Protein change: p.Ala1529fs; shifts the reading frame from alanine 1529.
Molecular consequence: frameshift variant. On other transcripts: intron variant (68).
Genome position (GRCh38, 1-based): chr4:113,353,203, G deleted; the last of 2 consecutive G bases (chr4:113,353,202-113,353,203); deleting either gives the same sequence. VCF-style (leftmost placement, unchanged base first): chr4-113353201-AG-A. GRCh37 (hg19) VCF-style: chr4-114274357-AG-A.
Other names: c.4585delG, p.Ala1529Glnfs (NM_001148.4); c.4351del, p.Ala1451fs (NM_001386142.1); c.985del, p.Ala329fs (NM_001386166.1); c.4726del, p.Ala1576fs (NM_001386174.1); c.4702del, p.Ala1568fs (NM_001386175.1); c.4411+2954del (NM_001386186.2, NM_001386148.2); c.4213+2954del (NM_001354269.3); c.4291+2954del (NM_001386187.2); and 36 more; short protein forms A1451fs, A1529fs, A1568fs, A1576fs, A329fs.
Identifiers: ClinVar variation 4075490 (VCV004075490.1).